The following is an entry in ClinVar:

ClinVar aggregate classification (germline): Benign/Likely benign. Review status: criteria provided, multiple submitters, no conflicts (2 of 4 stars). 4 submissions from 4 submitters: Benign (1); Likely benign (2). 1 of the submissions does not count toward it. Last evaluated 2025-01-01.

Conditions:
RPS6KA3-related disorder. Also called: RPS6KA3-related condition.
Intellectual developmental disorder, X-linked 19. Also called: Intellectual disability, X-linked 19. Identifiers: Orphanet 777, MedGen C0796225, MONDO:0010447, OMIM 300844.
Coffin-Lowry syndrome (CLS). Also called: COFFIN-LOWRY SYNDROME, MILD; Mental retardation with osteocartilaginous abnormalities. Identifiers: Orphanet 192, MedGen C0265252, MONDO:0010561, OMIM 303600.

Allele frequency attached by ClinVar (database versions not stated): gnomAD 0.00002; gnomAD exomes 0.00001; TOPMed 0.00001; ExAC 0.00003; ESP Exome Variant Server 0.00009.
gnomAD v4.1: 16 of 1,192,901 alleles (0.0013%); highest among the groups gnomAD compares: Non-Finnish European, 0.0017%; no homozygotes.

Submissions (4):

CeGaT Center for Human Genetics Tuebingen
Classification: Likely benign. Last evaluated: 2025-01-01. Review status: criteria provided, single submitter. Criteria: CeGaT Center For Human Genetics Tuebingen Variant Classification Criteria Version 2. Collection method: clinical testing. Allele origin: germline. Affected: yes. Observed: 1 variant allele.
Comment: RPS6KA3: BP4, BP7, BS2

Labcorp Genetics (formerly Invitae), Labcorp
Classification: Benign for Coffin-Lowry syndrome; Intellectual developmental disorder, X-linked 19. Last evaluated: 2024-10-30. Review status: criteria provided, single submitter. Criteria: Invitae Variant Classification Sherloc (09022015). Collection method: clinical testing. Allele origin: germline.

Blueprint Genetics
Classification: Likely benign. Last evaluated: 2023-03-23. Review status: criteria provided, single submitter. Criteria: ACMG Guidelines, 2015. Collection method: clinical testing. Allele origin: germline.

PreventionGenetics, part of Exact Sciences
Classification: Likely benign for RPS6KA3-related condition. Last evaluated: 2022-03-23. Review status: no assertion criteria provided. Collection method: clinical testing. Allele origin: germline. Not counted in ClinVar's aggregate classification.
Comment: This variant is classified as likely benign based on ACMG/AMP sequence variant interpretation guidelines (Richards et al. 2015 PMID: 25741868, with internal and published modifications).

NM_004586.3(RPS6KA3):c.1296C>T (p.Ser432=)

Gene: RPS6KA3 (ribosomal protein S6 kinase A3; minus strand). Cytogenetic location: Xp22.12.
Variant type: single nucleotide variant.
Coding change: c.1296C>T on transcript NM_004586.3 (MANE Select); coding-DNA position 1296, C replaced by T.
Protein change: p.Ser432=; no amino-acid change (serine 432 retained).
Molecular consequence: synonymous variant.
Genome position (GRCh38, 1-based): chrX:20,172,803, G>A on the plus strand (C>T on the coding strand, the complement: RPS6KA3 is on the minus strand). VCF-style: chrX-20172803-G-A. GRCh37 (hg19) VCF-style: chrX-20190921-G-A.
Other names: c.1296C>T (NM_004586.2).
Identifiers: ClinVar variation 2048590 (VCV002048590.20), dbSNP rs373738591, ClinGen allele CA10366135.